The following is an entry in ClinVar:

NM_030957.4(ADAMTS10):c.2239+5G>A

Gene: ADAMTS10 (ADAM metallopeptidase with thrombospondin type 1 motif 10; minus strand). Cytogenetic location: 19p13.2.
Variant type: single nucleotide variant.
Coding change: c.2239+5G>A on transcript NM_030957.4 (MANE Select); 5 bases into the intron after coding-DNA position 2239, G replaced by A.
Molecular consequence: intron variant.
Genome position (GRCh38, 1-based): chr19:8,586,811, C>T on the plus strand (G>A on the coding strand, the complement: ADAMTS10 is on the minus strand). VCF-style: chr19-8586811-C-T. GRCh37 (hg19) VCF-style: chr19-8651695-C-T.
Other names: c.700+5G>A (NM_001282352.2).
Identifiers: ClinVar variation 2003805 (VCV002003805.4), dbSNP rs2512583159, ClinGen allele CA2580097154.

ClinVar aggregate classification (germline): Uncertain significance (1 of 4 stars; one submission).

Submission:

Labcorp Genetics (formerly Invitae), Labcorp
Classification: Uncertain significance. Last evaluated: 2022-06-09. Review status: criteria provided, single submitter. Criteria: Invitae Variant Classification Sherloc (09022015). Collection method: clinical testing. Allele origin: germline.
Comment: In summary, the available evidence is currently insufficient to determine the role of this variant in disease. Therefore, it has been classified as a Variant of Uncertain Significance. Variants that disrupt the consensus splice site are a relatively common cause of aberrant splicing (PMID: 17576681, 9536098). Algorithms developed to predict the effect of sequence changes on RNA splicing suggest that this variant may disrupt the consensus splice site. This variant has not been reported in the literature in individuals affected with ADAMTS10-related conditions. This variant is not present in population databases (gnomAD no frequency). This sequence change falls in intron 19 of the ADAMTS10 gene. It does not directly change the encoded amino acid sequence of the ADAMTS10 protein. It affects a nucleotide within the consensus splice site.

Literature cited by the submitters: PubMed 17576681; PubMed 9536098.